The following is an entry in ClinVar:

NM_001854.4(COL11A1):c.385G>A (p.Val129Ile)

Gene: COL11A1 (collagen type XI alpha 1 chain; minus strand). Cytogenetic location: 1p21.1.
Variant type: single nucleotide variant.
Coding change: c.385G>A on transcript NM_001854.4 (MANE Select); coding-DNA position 385, G replaced by A.
Protein change: p.Val129Ile; replaces valine 129 with isoleucine.
Molecular consequence: missense variant. On other transcripts: non-coding transcript variant (1).
Genome position (GRCh38, 1-based): chr1:103,078,761, C>T on the plus strand (G>A on the coding strand, the complement: COL11A1 is on the minus strand). VCF-style: chr1-103078761-C-T. GRCh37 (hg19) VCF-style: chr1-103544317-C-T.
Other names: c.385G>A, p.Val129Ile (NM_001190709.2, NM_080629.3, NM_080630.4); short protein forms V129I.
Identifiers: ClinVar variation 931347 (VCV000931347.3), dbSNP rs1672174219, ClinGen allele CA341167850.

ClinVar aggregate classification (germline): Uncertain significance (1 of 4 stars; one submission).

Conditions:
Marshall syndrome (MRSHS). Identifiers: Orphanet 560, MedGen C0265235, MONDO:0007949, OMIM 154780.

Submission:

Centre for Mendelian Genomics, University Medical Centre Ljubljana
Classification: Uncertain significance for Marshall syndrome. Last evaluated: 2020-03-25. Review status: criteria provided, single submitter. Criteria: ACMG Guidelines, 2015. Collection method: clinical testing. Allele origin: unknown. Affected: yes.
Comment: This variant was classified as: Uncertain significance. The following ACMG criteria were applied in classifying this variant: PM2,PP2,BP4.